The following is an entry in ClinVar:

ClinVar aggregate classification (germline): Pathogenic/Likely pathogenic. Review status: criteria provided, multiple submitters, no conflicts (2 of 4 stars). 10 submissions from 9 submitters: Pathogenic (1); Likely pathogenic (6). 3 of the submissions do not count toward it. Last evaluated 2026-05-07.

Conditions:
SLC26A4-related disorder. Also called: SLC26A4-related disorders; SLC26A4-related condition.
Autosomal recessive nonsyndromic hearing loss 4 (DFNB4). Also called: Deafness, autosomal recessive 4; Nonsyndromic enlarged vestibular aqueduct (NSEVA); DEAFNESS, AUTOSOMAL RECESSIVE 4, WITH ENLARGED VESTIBULAR AQUEDUCT, DIGENIC; FOXI1-Related Pendred Syndrome; KCNJ10-Related Pendred Syndrome; NEUROSENSORY NONSYNDROMIC RECESSIVE DEAFNESS 4. Identifiers: Orphanet 90636, MedGen C3538946, MONDO:0010933, OMIM 600791.
Pendred syndrome (PDS). Also called: Pendred's syndrome; DEAFNESS WITH GOITER; GOITER-DEAFNESS SYNDROME; HYPOTHYROIDISM, CONGENITAL, DUE TO DYSHORMONOGENESIS, 2B; Pendred Syndrome (PDS); THYROID DYSHORMONOGENESIS 2B. Identifiers: Orphanet 705, MedGen C0271829, MONDO:0010134, OMIM 274600.

Allele frequency attached by ClinVar (database versions not stated): gnomAD exomes 0.00001 and 0.00004; TOPMed 0.00001; ExAC 0.00002.
gnomAD v4.1: 15 of 1,591,520 alleles (0.00094%); highest among the groups gnomAD compares: Admixed American, 0.025%; no homozygotes.

Submissions (10):

GeneDx
Classification: Likely pathogenic. Last evaluated: 2026-05-07. Review status: criteria provided, single submitter. Criteria: GeneDx Variant Classification Process June 2021. Collection method: clinical testing. Allele origin: germline.
Comment: In silico analysis supports that this missense variant has a deleterious effect on protein structure/function; This variant is associated with the following publications: (PMID: 29501320, 34652575, 28964290, 38855775)

Natera, Inc.
Classification: Likely pathogenic for Pendred syndrome. Last evaluated: 2025-11-12. Review status: criteria provided, single submitter. Criteria: Natera Variant Classification Schema (03/2026). Collection method: clinical testing. Allele origin: germline.
Comment: The c.1673A>G variant in SLC26A4 is a missense variant predicted to cause substitution of asparagine to serine at amino acid 558. This variant is rare in the general population with a frequency below the threshold expected for the associated phenotype(s). This variant has been observed in one or more individuals affected with the associated recessive disease, as either homozygous or compound heterozygous with a second variant (PMID: 28964290, 38855775). Computational prediction algorithms indicate this variant is likely to affect gene or protein function. Given the available evidence, this variant is classified as Likely Pathogenic.

PreventionGenetics, part of Exact Sciences
Classification: Likely pathogenic for SLC26A4-related condition. Last evaluated: 2025-08-29. Review status: criteria provided, single submitter. Criteria: ACMG Guidelines, 2015. Collection method: clinical testing. Allele origin: germline.
Comment: The SLC26A4 c.1673A>G variant is predicted to result in the amino acid substitution p.Asn558Ser. This variant was reported in the homozygous and compound heterozygous state in two unrelated individuals with sensorineural hearing loss with enlarged vestibular aqueduct (EVA) or incomplete partition (Cengiz et al. 2017. PubMed ID: 28964290). This variant is reported in 0.032% of alleles in individuals of Latino descent in gnomAD. An alternative substitution (p.Asn558Ile) at this amino acid position has been reported in patients with hearing loss and EVA (Liang et al. 2018. PubMed ID: 29501320). This variant is interpreted as likely pathogenic.

Women's Health and Genetics/Laboratory Corporation of America, LabCorp
Classification: Likely pathogenic for Pendred syndrome. Last evaluated: 2025-03-14. Review status: criteria provided, single submitter. Criteria: LabCorp Variant Classification Summary - May 2015. Collection method: clinical testing. Allele origin: germline.
Comment: Variant summary: SLC26A4 c.1673A>G (p.Asn558Ser) results in a conservative amino acid change located in the STAS domain (IPR002645) of the encoded protein sequence. Four of five in-silico tools predict a damaging effect of the variant on protein function. The variant allele was found at a frequency of 4.4e-05 in 250834 control chromosomes (gnomAD). This frequency is not significantly higher than estimated for a pathogenic variant in SLC26A4 causing Pendred Syndrome (4.4e-05 vs 0.0035), allowing no conclusion about variant significance. c.1673A>G has been reported in the literature in homozygous or compound heterozygous individuals with clinical features of Pendred Syndrome (Cengiz_2018, Labcorp Genetics (formerly Invitae)). These data indicate that the variant is likely to be associated with disease. To our knowledge, no experimental evidence demonstrating an impact on protein function has been reported. The following publication has been ascertained in the context of this evaluation (PMID: 28964290). ClinVar contains an entry for this variant (Variation ID: 597784). Based on the evidence outlined above, the variant was classified as likely pathogenic.

Labcorp Genetics (formerly Invitae), Labcorp
Classification: Pathogenic. Last evaluated: 2024-06-21. Review status: criteria provided, single submitter. Criteria: Invitae Variant Classification Sherloc (09022015). Collection method: clinical testing. Allele origin: germline.
Comment: This sequence change replaces asparagine, which is neutral and polar, with serine, which is neutral and polar, at codon 558 of the SLC26A4 protein (p.Asn558Ser). This variant is present in population databases (rs766206507, gnomAD 0.03%). This missense change has been observed in individual(s) with SLC26A4-related conditions (PMID: 28964290; Invitae). In at least one individual the data is consistent with being in trans (on the opposite chromosome) from a pathogenic variant. ClinVar contains an entry for this variant (Variation ID: 597784). Advanced modeling of protein sequence and biophysical properties (such as structural, functional, and spatial information, amino acid conservation, physicochemical variation, residue mobility, and thermodynamic stability) performed at Invitae indicates that this missense variant is expected to disrupt SLC26A4 protein function with a positive predictive value of 95%. This variant disrupts the p.Asn558 amino acid residue in SLC26A4. Other variant(s) that disrupt this residue have been observed in individuals with SLC26A4-related conditions (PMID: 29501320), which suggests that this may be a clinically significant amino acid residue. For these reasons, this variant has been classified as Pathogenic.

Baylor Genetics
Classification: Likely pathogenic for Autosomal recessive nonsyndromic hearing loss 4. Last evaluated: 2024-01-31. Review status: criteria provided, single submitter. Criteria: ACMG Guidelines, 2015. Collection method: clinical testing. Allele origin: unknown.

Blueprint Genetics
Classification: Likely pathogenic for SLC26A4-related disorders. Last evaluated: 2021-09-03. Review status: criteria provided, single submitter. Criteria: ACMG Guidelines, 2015. Collection method: clinical testing. Allele origin: germline. Affected: yes. Observed: 4 variant alleles.

Genome-Nilou Lab
Classification: Uncertain significance for Autosomal recessive nonsyndromic hearing loss 4. Last evaluated: 2021-09-05. Review status: flagged submission. Criteria: ACMG Guidelines, 2015. Collection method: clinical testing. Allele origin: germline. Affected: no. Not counted in ClinVar's aggregate classification.
ClinVar note: Reason: Older and outlier claim with insufficient supporting evidence

Genome-Nilou Lab
Classification: Uncertain significance for Pendred syndrome. Last evaluated: 2021-09-05. Review status: flagged submission. Criteria: ACMG Guidelines, 2015. Collection method: clinical testing. Allele origin: germline. Affected: no. Not counted in ClinVar's aggregate classification.
ClinVar note: Reason: Older and outlier claim with insufficient supporting evidence

Eurofins Ntd Llc (ga)
Classification: Uncertain significance. Last evaluated: 2018-07-12. Review status: flagged submission. Criteria: EGL ClinVar v180209 classification definitions. Collection method: clinical testing. Allele origin: germline. Observed: 1 variant allele, 1 heterozygote. Not counted in ClinVar's aggregate classification.
ClinVar note: Reason: Older and outlier claim with insufficient supporting evidence

Literature cited by the submitters: PubMed 28964290 (cited by 4 submitters); PubMed 38855775 (cited by Natera, Inc.); PubMed 29501320 (cited by Labcorp Genetics (formerly Invitae), Labcorp).

NM_000441.2(SLC26A4):c.1673A>G (p.Asn558Ser)

Gene: SLC26A4 (solute carrier family 26 member 4; plus strand). Cytogenetic location: 7q22.3.
Variant type: single nucleotide variant.
Coding change: c.1673A>G on transcript NM_000441.2 (MANE Select); coding-DNA position 1673, A replaced by G.
Protein change: p.Asn558Ser; replaces asparagine 558 with serine.
Molecular consequence: missense variant.
Genome position (GRCh38, 1-based): chr7:107,700,141, A>G. VCF-style: chr7-107700141-A-G. GRCh37 (hg19) VCF-style: chr7-107340586-A-G.
Other names: short protein forms N558S.
Identifiers: ClinVar variation 597784 (VCV000597784.27), dbSNP rs766206507, ClinGen allele CA4432906.